The following is an entry in ClinVar:

ClinVar aggregate classification (germline): Pathogenic (1 of 4 stars; one submission).

Conditions:
Hereditary cancer-predisposing syndrome. Also called: Neoplastic Syndromes, Hereditary; Tumor predisposition; Hereditary Cancer Syndrome; Hereditary neoplastic syndrome. Identifiers: Orphanet 140162, MedGen C0027672, MeSH D009386, MONDO:0015356.

Submission:

Ambry Genetics
Classification: Pathogenic for Hereditary cancer-predisposing syndrome. Last evaluated: 2020-08-18. Review status: criteria provided, single submitter. Criteria: Ambry Variant Classification Scheme 2023. Collection method: clinical testing. Allele origin: germline.
Comment: The c.763_767delGTAAA pathogenic mutation, located in coding exon 6 of the FH gene, results from a deletion of 5 nucleotides at nucleotide positions 763 to 767, causing a translational frameshift with a predicted alternate stop codon (p.V255Ifs*15). This alteration is expected to result in loss of function by premature protein truncation or nonsense-mediated mRNA decay. As such, this alteration is interpreted as a disease-causing mutation.

NM_000143.4(FH):c.763_767del (p.Val255fs)

Gene: FH (fumarate hydratase; minus strand). Cytogenetic location: 1q43.
Variant type: Deletion.
Coding change: c.763_767del on transcript NM_000143.4 (MANE Select); coding-DNA positions 763 to 767, 5 bases deleted (GTAAA; older notation c.763_767delGTAAA).
Protein change: p.Val255fs; shifts the reading frame from valine 255.
Molecular consequence: frameshift variant.
Genome position (GRCh38, 1-based): chr1:241,506,140-241,506,144, TTTAC deleted on the plus strand (GTAAA on the coding strand, the reverse complement: FH is on the minus strand); deleting any 5 consecutive bases within chr1:241,506,140-241,506,146 gives the same sequence; the c. name uses the placement nearest the transcript's 3' end. VCF-style (leftmost placement, unchanged base first): chr1-241506139-TTTTAC-T. GRCh37 (hg19) VCF-style: chr1-241669439-TTTTAC-T.
Other names: c.763_767delGTAAA (NM_000143.3); short protein forms V255fs.
Identifiers: ClinVar variation 1759900 (VCV001759900.2), dbSNP rs2527323113, ClinGen allele CA2580063499.